The following is an entry in ClinVar:

ClinVar aggregate classification (germline): Uncertain significance (1 of 4 stars; one submission).

Conditions:
Rhabdoid tumor predisposition syndrome 2 (RTPS2). Identifiers: Orphanet 231108, Orphanet 69077, MedGen C2750074, MONDO:0013224, OMIM 613325.

Submission:

Labcorp Genetics (formerly Invitae), Labcorp
Classification: Uncertain significance for Rhabdoid tumor predisposition syndrome 2. Last evaluated: 2024-03-10. Review status: criteria provided, single submitter. Criteria: Invitae Variant Classification Sherloc (09022015). Collection method: clinical testing. Allele origin: germline.
Comment: This sequence change replaces serine, which is neutral and polar, with arginine, which is basic and polar, at codon 1402 of the SMARCA4 protein (p.Ser1402Arg). This variant is not present in population databases (gnomAD no frequency). This variant has not been reported in the literature in individuals affected with SMARCA4-related conditions. An algorithm developed to predict the effect of missense changes on protein structure and function (PolyPhen-2) suggests that this variant is likely to be tolerated. In summary, the available evidence is currently insufficient to determine the role of this variant in disease. Therefore, it has been classified as a Variant of Uncertain Significance.

NM_001387283.1(SMARCA4):c.4206C>G (p.Ser1402Arg)

Gene: SMARCA4 (SWI/SNF related BAF chromatin remodeling complex subunit ATPase 4; plus strand). Cytogenetic location: 19p13.2.
Variant type: single nucleotide variant.
Coding change: c.4206C>G on transcript NM_001387283.1 (MANE Plus Clinical); coding-DNA position 4206, C replaced by G.
Protein change: p.Ser1402Arg; replaces serine 1402 with arginine.
Molecular consequence: missense variant. On other transcripts: intron variant (7).
Genome position (GRCh38, 1-based): chr19:11,039,493, C>G. VCF-style: chr19-11039493-C-G. GRCh37 (hg19) VCF-style: chr19-11150169-C-G.
Other names: c.4206C>G, p.Ser1402Arg (NM_001128849.3); c.4107C>G, p.Ser1369Arg (NM_001411150.1); c.4171-1814C>G (NM_001128844.3, NM_003072.5); c.4072-1814C>G (NM_001128847.4, NM_001374457.1, NM_001128848.2); c.4072-1805C>G (NM_001128845.2, NM_001128846.2); short protein forms S1369R, S1402R.
Identifiers: ClinVar variation 3668995 (VCV003668995.2).